The following is an entry in ClinVar:

NM_003128.3(SPTBN1):c.448A>T (p.Ile150Phe)

Gene: SPTBN1 (spectrin beta, non-erythrocytic 1; plus strand). Cytogenetic location: 2p16.2.
Variant type: single nucleotide variant.
Coding change: c.448A>T on transcript NM_003128.3 (MANE Select); coding-DNA position 448, A replaced by T.
Protein change: p.Ile150Phe; replaces isoleucine 150 with phenylalanine.
Molecular consequence: missense variant.
Genome position (GRCh38, 1-based): chr2:54,612,308, A>T. VCF-style: chr2-54612308-A-T. GRCh37 (hg19) VCF-style: chr2-54839445-A-T.
Other names: c.409A>T, p.Ile137Phe (NM_178313.3); short protein forms I137F, I150F.
Identifiers: ClinVar variation 3766276 (VCV003766276.1).

ClinVar aggregate classification (germline): Uncertain significance (1 of 4 stars; one submission).

Submission:

GeneDx
Classification: Uncertain significance. Last evaluated: 2024-08-25. Review status: criteria provided, single submitter. Criteria: GeneDx Variant Classification Process June 2021. Collection method: clinical testing. Allele origin: germline. Affected: yes.
Comment: Not observed at significant frequency in large population cohorts (gnomAD); In silico analysis supports that this missense variant has a deleterious effect on protein structure/function; Has not been previously published as pathogenic or benign to our knowledge